The following is an entry in ClinVar:

NM_020778.5(ALPK3):c.5035C>T (p.Gln1679Ter)

Gene: ALPK3 (alpha kinase 3; plus strand). Cytogenetic location: 15q25.3.
Variant type: single nucleotide variant.
Coding change: c.5035C>T on transcript NM_020778.5 (MANE Select); coding-DNA position 5035, C replaced by T.
Protein change: p.Gln1679Ter; replaces glutamine 1679 with a stop codon.
Molecular consequence: nonsense.
Genome position (GRCh38, 1-based): chr15:84,868,373, C>T. VCF-style: chr15-84868373-C-T. GRCh37 (hg19) VCF-style: chr15-85411604-C-T.
Other names: short protein forms Q1679*.
Identifiers: ClinVar variation 2755158 (VCV002755158.5), dbSNP rs1191974296, ClinGen allele CA393366277.

ClinVar aggregate classification (germline): Uncertain significance. Review status: criteria provided, multiple submitters, no conflicts (2 of 4 stars). 2 submissions from 2 submitters: Uncertain significance (2). Last evaluated 2025-01-28.

Conditions:
Cardiomyopathy, familial hypertrophic 27. Identifiers: MedGen C4748014, MONDO:0054838, OMIM 618052.

Allele frequency attached by ClinVar (database versions not stated): gnomAD exomes 0.00001.
gnomAD v4.1: 11 of 1,613,988 alleles (0.00068%); highest among the groups gnomAD compares: South Asian, 0.0011%; no homozygotes.

Submissions (2):

Labcorp Genetics (formerly Invitae), Labcorp
Classification: Uncertain significance. Last evaluated: 2025-01-28. Review status: criteria provided, single submitter. Criteria: Invitae Variant Classification Sherloc (09022015). Collection method: clinical testing. Allele origin: germline.
Comment: This sequence change creates a premature translational stop signal (p.Gln1881*) in the ALPK3 gene. While this is not anticipated to result in nonsense mediated decay, it is expected to disrupt the last 27 amino acid(s) of the ALPK3 protein. The frequency data for this variant in the population databases is considered unreliable, as metrics indicate poor data quality at this position in the gnomAD database. This variant has not been reported in the literature in individuals affected with ALPK3-related conditions. ClinVar contains an entry for this variant (Variation ID: 2755158). Experimental studies and prediction algorithms are not available or were not evaluated, and the functional significance of this variant is currently unknown. In summary, the available evidence is currently insufficient to determine the role of this variant in disease. Therefore, it has been classified as a Variant of Uncertain Significance.

Victorian Clinical Genetics Services, Murdoch Childrens Research Institute
Classification: Uncertain significance for Cardiomyopathy, familial hypertrophic 27. Last evaluated: 2024-10-17. Review status: criteria provided, single submitter. Criteria: ACMG Guidelines, 2015. Collection method: clinical testing. Allele origin: germline. Affected: yes.
Comment: This variant is classified as VUS-3B. Evidence in support of pathogenic classification: Variant is predicted to result in a truncated protein (premature termination codon is NOT located at least 54 nucleotides upstream of the final exon-exon junction) with less than 1/3 of the protein sequence affected; Variant is present in gnomAD <0.01 (v4: 11 heterozygote(s), 0 homozygote(s)). Additional information: This variant is heterozygous; This gene is associated with both recessive and dominant disease (PMIDs: 32480058, 34263907, 38356193); Previous evidence of pathogenicity for this variant is inconclusive. This variant has been classified as a VUS once by a clinical laboratory; No published segregation evidence has been identified for this variant; No published functional evidence has been identified for this variant; Another truncating variant comparable to the one identified in this case has inconclusive previous evidence for pathogenicity. p.(Gln1702*) has been classified twice as a VUS by clinical laboratories in clinvar; Variant is located in the annotated alpha-kinase domain (DECIPHER); Loss of function is a known mechanism of disease in this gene and is associated with familial hypertrophic cardiomyopathy 27 (MIM#618052); The condition associated with this gene has incomplete penetrance. Age-dependent penetrance has been observed in the autosomal dominant condition (PMIDs: 32480058, 34263907, 38356193); Inheritance information for this variant is not currently available in this individual.

Literature cited by the submitters: PubMed 38356193 (cited by Victorian Clinical Genetics Services, Murdoch Childrens Research Institute); PubMed 34263907 (cited by Victorian Clinical Genetics Services, Murdoch Childrens Research Institute); PubMed 32480058 (cited by Victorian Clinical Genetics Services, Murdoch Childrens Research Institute).